The following is an entry in ClinVar:

ClinVar aggregate classification (germline): Uncertain significance (1 of 4 stars; one submission).

Conditions:
BBS7-related disorder. Also called: BBS7-related condition.

Submission:

PreventionGenetics, part of Exact Sciences
Classification: Uncertain significance for BBS7-related condition. Last evaluated: 2025-07-20. Review status: criteria provided, single submitter. Criteria: ACMG Guidelines, 2015. Collection method: clinical testing. Allele origin: germline.
Comment: The BBS7 c.1071G>T variant is predicted to result in the amino acid substitution p.Leu357Phe. To our knowledge, this variant has not been reported in the literature or in a large population database (gnomAD), indicating this variant is rare. At this time, the clinical significance of this variant is uncertain due to the absence of conclusive functional and genetic evidence.

NM_176824.3(BBS7):c.1071G>T (p.Leu357Phe)

Gene: BBS7 (Bardet-Biedl syndrome 7; minus strand). Cytogenetic location: 4q27.
Variant type: single nucleotide variant.
Coding change: c.1071G>T on transcript NM_176824.3 (MANE Select); coding-DNA position 1071, G replaced by T.
Protein change: p.Leu357Phe; replaces leucine 357 with phenylalanine.
Molecular consequence: missense variant.
Genome position (GRCh38, 1-based): chr4:121,845,663, C>A on the plus strand (G>T on the coding strand, the complement: BBS7 is on the minus strand). VCF-style: chr4-121845663-C-A. GRCh37 (hg19) VCF-style: chr4-122766818-C-A.
Other names: c.1071G>T, p.Leu357Phe (NM_018190.4); short protein forms L357F.
Identifiers: ClinVar variation 5001636 (VCV005001636.1).